The following is an entry in ClinVar:

NM_000298.6(PKLR):c.382G>C (p.Ala128Pro)

Gene: PKLR (pyruvate kinase L/R; minus strand). Cytogenetic location: 1q22.
Variant type: single nucleotide variant.
Coding change: c.382G>C on transcript NM_000298.6 (MANE Select); coding-DNA position 382, G replaced by C.
Protein change: p.Ala128Pro; replaces alanine 128 with proline.
Molecular consequence: missense variant.
Genome position (GRCh38, 1-based): chr1:155,295,562, C>G on the plus strand (G>C on the coding strand, the complement: PKLR is on the minus strand). VCF-style: chr1-155295562-C-G. GRCh37 (hg19) VCF-style: chr1-155265353-C-G.
Other names: c.289G>C, p.Ala97Pro (NM_181871.4); short protein forms A128P, A97P.
Identifiers: ClinVar variation 3382420 (VCV003382420.2).

ClinVar aggregate classification (germline): Uncertain significance (1 of 4 stars; one submission).

Conditions:
Pyruvate kinase hyperactivity. Identifiers: MedGen C1863224, MONDO:0007067, OMIM 102900.
Pyruvate kinase deficiency of red cells (CNSHA2). Also called: PK DEFICIENCY; PYRUVATE KINASE DEFICIENCY OF ERYTHROCYTE; Pyruvate kinase deficiency, Amish type. Identifiers: Orphanet 766, MedGen C0340968, MONDO:0009950, OMIM 266200.

gnomAD v4.1: 1 of 1,614,056 alleles (0.000062%); highest among the groups gnomAD compares: Non-Finnish European, 0.000085%; no homozygotes.

Submission:

Juno Genomics, Hangzhou Juno Genomics, Inc
Classification: Uncertain significance for Pyruvate kinase hyperactivity; Pyruvate kinase deficiency of red cells. Review status: criteria provided, single submitter. Criteria: ACMG Guidelines, 2015. Collection method: clinical testing. Allele origin: germline. Affected: yes.
Comment: Absent from controls (or at extremely low frequency if recessive) in Genome Aggregation Database, Exome Sequencing Project, 1000 Genomes Project, or Exome Aggregation Consortium.;Multiple lines of computational evidence support a deleterious effect on the gene or gene product (conservation, evolutionary, splicing impact, etc).;For recessive disorders, detected in trans with a pathogenic variant.